The following is an entry in ClinVar:

ClinVar aggregate classification (germline): Likely benign. Review status: criteria provided, multiple submitters, no conflicts (2 of 4 stars). 5 submissions from 5 submitters: Likely benign (4). 1 of the submissions does not count toward it. Last evaluated 2025-06-02.

Conditions:
TSPEAR-related disorder. Also called: TSPEAR-related condition.

Allele frequency attached by ClinVar (database versions not stated): TOPMed 0.00041; ESP Exome Variant Server 0.00054; gnomAD 0.00073.
gnomAD v4.1: 863 of 1,614,028 alleles (0.053%); highest among the groups gnomAD compares: Non-Finnish European, 0.069%; 2 homozygotes.

Submissions (5):

Labcorp Genetics (formerly Invitae), Labcorp
Classification: Likely benign. Last evaluated: 2025-06-02. Review status: criteria provided, single submitter. Criteria: Invitae Variant Classification Sherloc (09022015). Collection method: clinical testing. Allele origin: germline.

Blueprint Genetics
Classification: Likely benign. Last evaluated: 2024-11-28. Review status: criteria provided, single submitter. Criteria: ACMG Guidelines, 2015. Collection method: clinical testing. Allele origin: germline.

GeneDx
Classification: Likely benign. Last evaluated: 2021-02-26. Review status: criteria provided, single submitter. Criteria: GeneDx Variant Classification Process June 2021. Collection method: clinical testing. Allele origin: germline. Affected: yes.

Laboratory for Molecular Medicine, Mass General Brigham Personalized Medicine
Classification: Likely benign. Last evaluated: 2016-05-13. Review status: criteria provided, single submitter. Criteria: LMM Criteria. Collection method: clinical testing. Allele origin: germline. Observed: 1 variant allele.
Comment: p.Thr369Thr in exon 7 of TSPEAR: This variant is not expected to have clinical s ignificance because it does not alter an amino acid residue and is not located w ithin the splice consensus sequence. It has been identified in 40/66720 of Europ ean chromosomes by the Exome Aggregation Consortium (ExAC; dbSNP rs145868820).

PreventionGenetics, part of Exact Sciences
Classification: Likely benign for TSPEAR-related condition. Last evaluated: 2019-11-07. Review status: no assertion criteria provided. Collection method: clinical testing. Allele origin: germline. Not counted in ClinVar's aggregate classification.
Comment: This variant is classified as likely benign based on ACMG/AMP sequence variant interpretation guidelines (Richards et al. 2015 PMID: 25741868, with internal and published modifications).

NM_144991.3(TSPEAR):c.1107G>A (p.Thr369=)

Gene: TSPEAR (thrombospondin type laminin G domain and EAR repeats; minus strand). Cytogenetic location: 21q22.3.
Variant type: single nucleotide variant.
Coding change: c.1107G>A on transcript NM_144991.3 (MANE Select); coding-DNA position 1107, G replaced by A.
Protein change: p.Thr369=; no amino-acid change (threonine 369 retained).
Molecular consequence: synonymous variant.
Genome position (GRCh38, 1-based): chr21:44,527,334, C>T on the plus strand (G>A on the coding strand, the complement: TSPEAR is on the minus strand). VCF-style: chr21-44527334-C-T. GRCh37 (hg19) VCF-style: chr21-45947217-C-T.
Other names: c.903G>A, p.Thr301= (NM_001272037.2).
Identifiers: ClinVar variation 504826 (VCV000504826.17), dbSNP rs145868820, ClinGen allele CA10056723.